The following is an entry in ClinVar:

ClinVar aggregate classification (germline): Conflicting classifications of pathogenicity. Review status: criteria provided, conflicting classifications (1 of 4 stars). 2 submissions from 2 submitters: Uncertain significance (1); Likely benign (1). Last evaluated 2022-11-01.

Allele frequency attached by ClinVar (database versions not stated): ExAC 0.00015; 1000 Genomes Project 30x 0.00094; gnomAD 0.00161; TOPMed 0.00176; gnomAD exomes 0.00203.
gnomAD v4.1: 3,064 of 1,547,398 alleles (0.2%); highest among the groups gnomAD compares: Admixed American, 0.25%; 9 homozygotes.

Submissions (2):

CeGaT Center for Human Genetics Tuebingen
Classification: Likely benign. Last evaluated: 2022-11-01. Review status: criteria provided, single submitter. Criteria: CeGaT Center For Human Genetics Tuebingen Variant Classification Criteria Version 2. Collection method: clinical testing. Allele origin: germline. Affected: yes. Observed: 1 variant allele.
Comment: UAP1L1: BP4

Ambry Genetics
Classification: Uncertain significance. Last evaluated: 2021-08-30. Review status: criteria provided, single submitter. Criteria: Ambry Variant Classification Scheme 2023. Collection method: clinical testing. Allele origin: germline.

NM_207309.3(UAP1L1):c.460G>A (p.Gly154Ser)

Gene: UAP1L1 (UDP-N-acetylglucosamine pyrophosphorylase 1 like 1; plus strand). Cytogenetic location: 9q34.3.
Variant type: single nucleotide variant.
Coding change: c.460G>A on transcript NM_207309.3 (MANE Select); coding-DNA position 460, G replaced by A.
Protein change: p.Gly154Ser; replaces glycine 154 with serine.
Molecular consequence: missense variant.
Genome position (GRCh38, 1-based): chr9:137,078,220, G>A. VCF-style: chr9-137078220-G-A. GRCh37 (hg19) VCF-style: chr9-139972672-G-A.
Other names: c.460G>A (NM_207309.2); short protein forms G154S.
Identifiers: ClinVar variation 2659799 (VCV002659799.25), dbSNP rs759763823, ClinGen allele CA5357930.